The following is an entry in ClinVar:

ClinVar aggregate classification (germline): Uncertain significance (1 of 4 stars; one submission).

Submission:

Labcorp Genetics (formerly Invitae), Labcorp
Classification: Uncertain significance. Last evaluated: 2024-11-27. Review status: criteria provided, single submitter. Criteria: Invitae Variant Classification Sherloc (09022015). Collection method: clinical testing. Allele origin: germline.
Comment: This sequence change replaces asparagine, which is neutral and polar, with serine, which is neutral and polar, at codon 1671 of the FN1 protein (p.Asn1671Ser). This variant is not present in population databases (gnomAD no frequency). This variant has not been reported in the literature in individuals affected with FN1-related conditions. An algorithm developed to predict the effect of missense changes on protein structure and function outputs the following: PolyPhen-2: "Benign". The serine amino acid residue is found in multiple mammalian species, which suggests that this missense change does not adversely affect protein function. In summary, the available evidence is currently insufficient to determine the role of this variant in disease. Therefore, it has been classified as a Variant of Uncertain Significance.

NM_212482.4(FN1):c.5012A>G (p.Asn1671Ser)

Gene: FN1 (fibronectin 1; minus strand). Cytogenetic location: 2q35.
Variant type: single nucleotide variant.
Coding change: c.5012A>G on transcript NM_212482.4 (MANE Select); coding-DNA position 5012, A replaced by G.
Protein change: p.Asn1671Ser; replaces asparagine 1671 with serine.
Molecular consequence: missense variant.
Genome position (GRCh38, 1-based): chr2:215,383,366, T>C on the plus strand (A>G on the coding strand, the complement: FN1 is on the minus strand). VCF-style: chr2-215383366-T-C. GRCh37 (hg19) VCF-style: chr2-216248089-T-C.
Other names: c.5012A>G, p.Asn1671Ser (NM_001306129.2, NM_001306130.2, NM_001365517.2 and 3 more transcripts); c.4739A>G, p.Asn1580Ser (NM_001365523.2, NM_001365524.2, NM_002026.4 and 7 more transcripts); short protein forms N1671S, N1580S.
Identifiers: ClinVar variation 3726296 (VCV003726296.2).